The following is an entry in ClinVar:

NM_019109.5(ALG1):c.398_399insCA (p.Gly134fs)

Gene: ALG1 (ALG1 chitobiosyldiphosphodolichol beta-mannosyltransferase; plus strand). Cytogenetic location: 16p13.3.
Variant type: Insertion.
Coding change: c.398_399insCA on transcript NM_019109.5 (MANE Select); coding-DNA positions 398 to 399, CA inserted.
Protein change: p.Gly134fs; shifts the reading frame from glycine 134.
Molecular consequence: frameshift variant.
Genome position: GRCh38 VCF-style: chr16-5075395-C-CCA. GRCh37 (hg19) VCF-style: chr16-5125396-C-CCA.
Other names: c.65_66insCA, p.Gly23fs (NM_001330504.2); short protein forms G134fs, G23fs.
Identifiers: ClinVar variation 1400583 (VCV001400583.6), dbSNP rs1956891979, ClinGen allele CA2203696658.

ClinVar aggregate classification (germline): Pathogenic (1 of 4 stars; one submission).

Conditions:
ALG1-congenital disorder of glycosylation. Also called: CONGENITAL DISORDER OF GLYCOSYLATION, TYPE Ik; ALG1-CDG; CDG Ik. Identifiers: Orphanet 79327, MedGen C2931005, MONDO:0012052, OMIM 608540.

Submission:

Labcorp Genetics (formerly Invitae), Labcorp
Classification: Pathogenic for ALG1-congenital disorder of glycosylation. Last evaluated: 2023-07-08. Review status: criteria provided, single submitter. Criteria: Invitae Variant Classification Sherloc (09022015). Collection method: clinical testing. Allele origin: germline.
Comment: For these reasons, this variant has been classified as Pathogenic. Algorithms developed to predict the effect of sequence changes on RNA splicing suggest that this variant may disrupt the consensus splice site. This sequence change creates a premature translational stop signal (p.Gly134Lysfs*59) in the ALG1 gene. It is expected to result in an absent or disrupted protein product. Loss-of-function variants in ALG1 are known to be pathogenic (PMID: 20679665, 23806237). This variant is not present in population databases (gnomAD no frequency). This variant has not been reported in the literature in individuals affected with ALG1-related conditions. ClinVar contains an entry for this variant (Variation ID: 1400583).

Literature cited by the submitters: PubMed 20679665; PubMed 23806237.